The following is an entry in ClinVar:

ClinVar aggregate classification (germline): Uncertain significance (1 of 4 stars; one submission).

Conditions:
Hereditary sensory and autonomic neuropathy type 7. Also called: HSAN VII; Neuropathy, hereditary sensory and autonomic, type VII. Identifiers: Orphanet 391397, MedGen C3809882, MONDO:0014244, OMIM 615548.
Familial episodic pain syndrome with predominantly lower limb involvement. Also called: Episodic pain syndrome, familial, 3. Identifiers: Orphanet 391384, Orphanet 391392, MedGen C3809899, MONDO:0014247, OMIM 615552.

Submission:

Labcorp Genetics (formerly Invitae), Labcorp
Classification: Uncertain significance for Familial episodic pain syndrome with predominantly lower limb involvement; Hereditary sensory and autonomic neuropathy type 7. Last evaluated: 2023-01-20. Review status: criteria provided, single submitter. Criteria: Invitae Variant Classification Sherloc (09022015). Collection method: clinical testing. Allele origin: germline.
Comment: This sequence change replaces phenylalanine, which is neutral and non-polar, with cysteine, which is neutral and slightly polar, at codon 1256 of the SCN11A protein (p.Phe1256Cys). This variant is not present in population databases (gnomAD no frequency). This variant has not been reported in the literature in individuals affected with SCN11A-related conditions. Advanced modeling of protein sequence and biophysical properties (such as structural, functional, and spatial information, amino acid conservation, physicochemical variation, residue mobility, and thermodynamic stability) performed at Invitae indicates that this missense variant is expected to disrupt SCN11A protein function. In summary, the available evidence is currently insufficient to determine the role of this variant in disease. Therefore, it has been classified as a Variant of Uncertain Significance.

NM_001349253.2(SCN11A):c.3767T>G (p.Phe1256Cys)

Gene: SCN11A (sodium voltage-gated channel alpha subunit 11; minus strand). Cytogenetic location: 3p22.2.
Variant type: single nucleotide variant.
Coding change: c.3767T>G on transcript NM_001349253.2 (MANE Select); coding-DNA position 3767, T replaced by G.
Protein change: p.Phe1256Cys; replaces phenylalanine 1256 with cysteine.
Molecular consequence: missense variant.
Genome position (GRCh38, 1-based): chr3:38,870,737, A>C on the plus strand (T>G on the coding strand, the complement: SCN11A is on the minus strand). VCF-style: chr3-38870737-A-C. GRCh37 (hg19) VCF-style: chr3-38912228-A-C.
Other names: c.3767T>G, p.Phe1256Cys (NM_014139.3); short protein forms F1256C.
Identifiers: ClinVar variation 2940741 (VCV002940741.3), dbSNP rs2471027952, ClinGen allele CA352169678.